The following continues an entry in ClinVar:

NM_001127701.1(SERPINA1):c.1096G>A (p.Glu366Lys)

Gene: SERPINA1. ClinVar aggregate classification (germline): Pathogenic/Likely pathogenic; risk factor. Pathogenic (40); Likely pathogenic (1).

Submissions 17 to 31 of 59:

Rady Children's Institute for Genomic Medicine, Rady Children's Hospital San Diego
Classification: Pathogenic for ALPHA-1-ANTITRYPSIN DEFICIENCY. Last evaluated: 2024-02-20. Review status: criteria provided, single submitter. Criteria: ACMG Guidelines, 2015. Collection method: clinical testing. Allele origin: germline. Affected: yes.
Comment: This variant is also referred to as p.Glu342Lys in the literature, and is also known as the common deficiency allele PI*Z, or the Z allele (PMID: 28243076). This variant has been previously reported in individuals with alpha-1 antitrypsin deficiency (AATD) in the homozygous state (PMID: 1889260, 19083091, 19444872, 22426792, 26310624), and as a compound heterozygous change along with other pathogenic alleles (PMID: 19738092, 22426792, 22912729, 30068317). Individuals homozygous for the Z allele (PI*ZZ) are at the highest risk for severe AATD and developing chronic obstructive pulmonary disease (COPD), emphysema, liver disease and neonatal cholestasis (PMID: 28243076). Individuals homozygous for the c.1096G>A (p.Glu366Lys) variant have approximately 20% of normal circulating alpha-1-antitrypsin levels while heterozygotes have approximately 60% (PMID: 19083091). The variant is present in the heterozygous state in the gnomAD v4 population database at a frequency of 1.6% (25605/1614142) and is present in 263 individuals in the homozygous state. The variant affects a highly conserved amino acid and is predicted by multiple in silico tools to have a deleterious effect on protein function. Based on the available evidence, the c.1096G>A (p.Glu366Lys) variant is classified as Pathogenic.

Clinical Genomics Laboratory, Washington University in St. Louis
Classification: Pathogenic for Alpha-1-antitrypsin deficiency. Last evaluated: 2023-10-10. Review status: criteria provided, single submitter. Criteria: ACMG Guidelines, 2015. Collection method: clinical testing. Allele origin: germline. Affected: yes.
Comment: The SERPINA1 c.1096G>A (p.Glu366Lys) variant, also known as Gly342Lys or more commonly the Z allele, has been reported in the homozygous and compound heterozygous state in individuals with alpha1-antitrypsin deficiency and is reported as the most common pathogenic variant (Bornhorst JA et al., PMID: 23632999; Calapoğlu et al., PMID: 19083091; Stoller JK et al., PMID: 20301692; Stoller JK and Aboussouan LS, PMID: 21960536). While this variant rarely leads to alpha1-antitrypsin deficiency in heterozygous individuals, individuals that carry this variant in the heterozygous state have an increased risk for developing chronic obstructive pulmonary disease or liver disease (OR: 2.31-7.3; Hersh CP et al., PMID: 15454649; Strnad P et al., PMID: 30068662; Topic A et al., PMID: 22971141). This variant has been reported in the ClinVar database as a germline risk factor or pathogenic variant by many submitters. The highest population minor allele frequency in the population database genome aggregation database (v.2.1.1) is 1.8% in the European (non-Finnish) population which is not inconsistent with the prevalence of alpha1-antitrypsin deficiency (Brode SK et al., PMID: 22761482). The amino acid at this position is critical for protein function (Huang X et al., PMID: 27246852) and computational predictors indicate that the variant is damaging, evidence that correlates with impact to SERPINA1 function. In support of this prediction, functional studies show this variant leads to an accumulation of the protein leading to liver damage, indicating that this variant impacts protein function (Dycaico MJ et al., PMID: 3264419; Lomas DA et al., PMID: 1608473). Based on available information and the ACMG/AMP guidelines for variant interpretation (Richards S et al., PMID: 25741868), this variant is classified as pathogenic.

Mayo Clinic Laboratories, Mayo Clinic
Classification: Pathogenic. Last evaluated: 2023-10-05. Review status: criteria provided, single submitter. Criteria: ACMG Guidelines, 2015. Collection method: clinical testing. Allele origin: germline. Observed: 22 variant alleles.

Department of Human Genetics, Hannover Medical School
Classification: Pathogenic for Alpha-1-antitrypsin deficiency. Last evaluated: 2023-08-09. Review status: criteria provided, single submitter. Criteria: ACMG Guidelines, 2015. Collection method: clinical testing. Allele origin: germline. Inheritance: Autosomal recessive inheritance. Affected: yes.

Centre for Clinical Genetics and Genomic Diagnostics, Zealand University Hospital
Classification: Pathogenic. Last evaluated: 2023-07-26. Review status: criteria provided, single submitter. Criteria: ACMG Guidelines, 2015. Collection method: clinical testing. Allele origin: germline.

Clinical Genetics Laboratory, Skane University Hospital Lund
Classification: Pathogenic. Last evaluated: 2023-03-23. Review status: criteria provided, single submitter. Criteria: ACMG Guidelines, 2015. Collection method: clinical testing. Allele origin: germline. Affected: yes.

Laboratorio de Genetica e Diagnostico Molecular, Hospital Israelita Albert Einstein
Classification: Pathogenic for Alpha-1-antitrypsin deficiency. Last evaluated: 2022-11-29. Review status: criteria provided, single submitter. Criteria: ACMG Guidelines, 2015. Collection method: clinical testing. Allele origin: germline. Affected: yes. Observed: 1 variant allele.
Comment: ACMG classification criteria: PS3 supporting, PM3 very strong, PP4

MGZ Medical Genetics Center
Classification: Pathogenic for Alpha-1-antitrypsin deficiency. Last evaluated: 2022-07-11. Review status: criteria provided, single submitter. Criteria: ACMG Guidelines, 2015. Collection method: clinical testing. Allele origin: germline. Affected: yes. Observed: 7 variant alleles.
Comment: ACMG criteria applied: PS3, PS4, PM3_STR, PP1, PP3

Greenwood Genetic Center Diagnostic Laboratories, Greenwood Genetic Center
Classification: Pathogenic for Alpha-1-antitrypsin deficiency. Last evaluated: 2022-06-30. Review status: criteria provided, single submitter. Criteria: ACMG Guidelines, 2015. Collection method: clinical testing. Allele origin: germline. Affected: yes.
Comment: PS3, PS4, PM3, PP3

Fulgent Genetics
Classification: Pathogenic for Alpha-1-antitrypsin deficiency. Last evaluated: 2022-02-07. Review status: criteria provided, single submitter. Criteria: ACMG Guidelines, 2015. Collection method: clinical testing. Allele origin: unknown.

AiLife Diagnostics
Classification: Pathogenic. Last evaluated: 2022-01-27. Review status: criteria provided, single submitter. Criteria: ACMG Guidelines, 2015. Collection method: clinical testing. Allele origin: germline. Affected: yes. Observed: 4 variant alleles.

Undiagnosed Diseases Network, NIH
Classification: Pathogenic for Alpha-1-antitrypsin deficiency. Last evaluated: 2022-01-06. Review status: criteria provided, single submitter. Criteria: ACMG Guidelines, 2015. Collection method: clinical testing. Allele origin: unknown. Inheritance: Autosomal recessive inheritance. Affected: yes. Observed: 1 variant allele, 1 homozygote. Study: Undiagnosed Diseases Network (NIH), UDN.

Dasa
Classification: Pathogenic for Alpha-1-antitrypsin deficiency. Last evaluated: 2022-01-05. Review status: criteria provided, single submitter. Criteria: ACMG Guidelines, 2015. Collection method: clinical testing. Allele origin: germline. Affected: yes. Observed: 2 variant alleles.
Comment: The c.1096G>A;p.(Glu366Lys) missense variant has been observed in affected individual(s) and ClinVar contains an entry for this variant ClinVar ID: 17967; PMID: 20301692; 29644095; 29618937; 26987331: 20301692) - PS4. Well-established in vitro or in vivo functional studies support a damaging effect on the gene or gene product (PMID: 2904702, PMID: 19398551; PMID: 3500183) - PS3_supporting. The variant is located in a mutational hot spot and/or critical and well-established functional domain (Serpin domain) - PM1. The p.(Glu366Lys) was detected in trans with a pathogenic variant (PMID: 29882371; 26987331) - PM3_very strong Multiple lines of computational evidence support a deleterious effect on the gene or gene product - PP3. and allele frequency is greater than expected for disorder -BS1. In summary, the currently available evidence indicates that the variant is pathogenic.

Laboratory of Molecular Genetics (Pr. Bezieau's lab), CHU de Nantes
Classification: Pathogenic for Neurodevelopmental disorder. Last evaluated: 2021-12-16. Review status: criteria provided, single submitter. Criteria: ACMG Guidelines, 2015. Collection method: clinical testing. Allele origin: germline. Affected: yes.

Laboratorio de Genetica e Diagnostico Molecular, Hospital Israelita Albert Einstein
Classification: Pathogenic. Last evaluated: 2020-10-06. Review status: criteria provided, single submitter. Criteria: ACMG Guidelines, 2015. Collection method: clinical testing. Allele origin: germline. Affected: yes.
Comment: ACMG classification criteria: PS3, PS4, PM3